The following is an entry in ClinVar:

ClinVar aggregate classification (germline): Uncertain significance (1 of 4 stars; one submission).

Submission:

Labcorp Genetics (formerly Invitae), Labcorp
Classification: Uncertain significance. Last evaluated: 2022-08-16. Review status: criteria provided, single submitter. Criteria: Invitae Variant Classification Sherloc (09022015). Collection method: clinical testing. Allele origin: germline.
Comment: In summary, the available evidence is currently insufficient to determine the role of this variant in disease. Therefore, it has been classified as a Variant of Uncertain Significance. Algorithms developed to predict the effect of missense changes on protein structure and function (SIFT, PolyPhen-2, Align-GVGD) all suggest that this variant is likely to be disruptive. ClinVar contains an entry for this variant (Variation ID: 1472738). This variant has not been reported in the literature in individuals affected with RUSC2-related conditions. This variant is not present in population databases (gnomAD no frequency). This sequence change replaces glutamine, which is neutral and polar, with lysine, which is basic and polar, at codon 1180 of the RUSC2 protein (p.Gln1180Lys).

NM_014806.5(RUSC2):c.3538C>A (p.Gln1180Lys)

Gene: RUSC2 (RUN and SH3 domain containing 2; plus strand). Cytogenetic location: 9p13.3.
Variant type: single nucleotide variant.
Coding change: c.3538C>A on transcript NM_014806.5 (MANE Select); coding-DNA position 3538, C replaced by A.
Protein change: p.Gln1180Lys; replaces glutamine 1180 with lysine.
Molecular consequence: missense variant. On other transcripts: non-coding transcript variant (1).
Genome position (GRCh38, 1-based): chr9:35,560,178, C>A. VCF-style: chr9-35560178-C-A. GRCh37 (hg19) VCF-style: chr9-35560175-C-A.
Other names: c.3538C>A, p.Gln1180Lys (NM_001135999.2); c.904C>A, p.Gln302Lys (NM_001330740.2); short protein forms Q302K, Q1180K.
Identifiers: ClinVar variation 1472738 (VCV001472738.8), dbSNP rs2131705856, ClinGen allele CA373353167.
Genomic context (GRCh38, chr9:35,560,178, plus strand): 5'-CTACAGCCCCTGGCCCTGCTGCCCTTCAGCCTCGACTTGCTGTTCCAGCACCGGCTGCTG[C>A]AAAGTGGGCAGCAGCAGCGGCAGCACAAGGAACTGCTGCGGGTGTCCCAGGACCTGCTGC-3'
Protein context (NP_055621.2, residues 1170-1190): LDLLFQHRLL[Gln1180Lys]SGQQQRQHKE